The following is an entry in ClinVar:

NM_001008537.3(NEXMIF):c.3886A>G (p.Met1296Val)

Gene: NEXMIF (neurite extension and migration factor; minus strand). Cytogenetic location: Xq13.3.
Variant type: single nucleotide variant.
Coding change: c.3886A>G on transcript NM_001008537.3 (MANE Select); coding-DNA position 3886, A replaced by G.
Protein change: p.Met1296Val; replaces methionine 1296 with valine.
Molecular consequence: missense variant.
Genome position (GRCh38, 1-based): chrX:74,740,671, T>C on the plus strand (A>G on the coding strand, the complement: NEXMIF is on the minus strand). VCF-style: chrX-74740671-T-C. GRCh37 (hg19) VCF-style: chrX-73960506-T-C.
Other names: short protein forms M1296V.
Identifiers: ClinVar variation 3605137 (VCV003605137.2).

ClinVar aggregate classification (germline): Uncertain significance (1 of 4 stars; one submission).

Submission:

Labcorp Genetics (formerly Invitae), Labcorp
Classification: Uncertain significance. Last evaluated: 2024-08-17. Review status: criteria provided, single submitter. Criteria: Invitae Variant Classification Sherloc (09022015). Collection method: clinical testing. Allele origin: germline.
Comment: This sequence change replaces methionine, which is neutral and non-polar, with valine, which is neutral and non-polar, at codon 1296 of the NEXMIF protein (p.Met1296Val). This variant is not present in population databases (gnomAD no frequency). This variant has not been reported in the literature in individuals affected with NEXMIF-related conditions. An algorithm developed to predict the effect of missense changes on protein structure and function outputs the following: PolyPhen-2: "Benign". The valine amino acid residue is found in multiple mammalian species, which suggests that this missense change does not adversely affect protein function. In summary, the available evidence is currently insufficient to determine the role of this variant in disease. Therefore, it has been classified as a Variant of Uncertain Significance.